The following is an entry in ClinVar:

ClinVar aggregate classification (germline): Uncertain significance (1 of 4 stars; one submission).

Conditions:
Fanconi anemia (FA). Also called: Fanconi's anemia. Identifiers: Orphanet 84, MedGen C0015625, MeSH D005199, MONDO:0019391.

Allele frequency attached by ClinVar (database versions not stated): gnomAD exomes below 0.00001.
gnomAD v4.1: 4 of 1,614,126 alleles (0.00025%); highest among the groups gnomAD compares: Non-Finnish European, 0.00034%; no homozygotes.

Submission:

Labcorp Genetics (formerly Invitae), Labcorp
Classification: Uncertain significance for Fanconi anemia. Last evaluated: 2023-07-26. Review status: criteria provided, single submitter. Criteria: Invitae Variant Classification Sherloc (09022015). Collection method: clinical testing. Allele origin: germline.
Comment: In summary, the available evidence is currently insufficient to determine the role of this variant in disease. Therefore, it has been classified as a Variant of Uncertain Significance. An algorithm developed to predict the effect of missense changes on protein structure and function (PolyPhen-2) suggests that this variant is likely to be tolerated. This variant has not been reported in the literature in individuals affected with FANCI-related conditions. This variant is not present in population databases (gnomAD no frequency). This sequence change replaces phenylalanine, which is neutral and non-polar, with cysteine, which is neutral and slightly polar, at codon 916 of the FANCI protein (p.Phe916Cys).

NM_001113378.2(FANCI):c.2747T>G (p.Phe916Cys)

Gene: FANCI (FA complementation group I; plus strand). Cytogenetic location: 15q26.1.
Variant type: single nucleotide variant.
Coding change: c.2747T>G on transcript NM_001113378.2 (MANE Select); coding-DNA position 2747, T replaced by G.
Protein change: p.Phe916Cys; replaces phenylalanine 916 with cysteine.
Molecular consequence: missense variant.
Genome position (GRCh38, 1-based): chr15:89,299,910, T>G. VCF-style: chr15-89299910-T-G. GRCh37 (hg19) VCF-style: chr15-89843141-T-G.
Other names: c.2468T>G, p.Phe823Cys (NM_001376910.1); c.2747T>G, p.Phe916Cys (NM_001376911.1); c.2567T>G, p.Phe856Cys (NM_018193.3); short protein forms F856C, F823C, F916C.
Identifiers: ClinVar variation 2895296 (VCV002895296.3), dbSNP rs2507840998, ClinGen allele CA393737017.